The following is an entry in ClinVar:

NM_004104.5(FASN):c.1126G>T (p.Val376Leu)

Gene: FASN (fatty acid synthase; minus strand). Cytogenetic location: 17q25.3.
Variant type: single nucleotide variant.
Coding change: c.1126G>T on transcript NM_004104.5 (MANE Select); coding-DNA position 1126, G replaced by T.
Protein change: p.Val376Leu; replaces valine 376 with leucine.
Molecular consequence: missense variant.
Genome position (GRCh38, 1-based): chr17:82,091,588, C>A on the plus strand (G>T on the coding strand, the complement: FASN is on the minus strand). VCF-style: chr17-82091588-C-A. GRCh37 (hg19) VCF-style: chr17-80049464-C-A.
Other names: short protein forms V376L.
Identifiers: ClinVar variation 566717 (VCV000566717.8), dbSNP rs370752560, ClinGen allele CA295137924.

ClinVar aggregate classification (germline): Uncertain significance (1 of 4 stars; one submission).

Conditions:
Epileptic encephalopathy. Identifiers: MedGen C0543888, HP:0200134.

Submission:

Labcorp Genetics (formerly Invitae), Labcorp
Classification: Uncertain significance for Epileptic encephalopathy. Last evaluated: 2018-05-30. Review status: criteria provided, single submitter. Criteria: Invitae Variant Classification Sherloc (09022015). Collection method: clinical testing. Allele origin: germline.
Comment: In summary, the available evidence is currently insufficient to determine the role of this variant in disease. Therefore, it has been classified as a Variant of Uncertain Significance. Algorithms developed to predict the effect of missense changes on protein structure and function are either unavailable or do not agree on the potential impact of this missense change (SIFT: "Deleterious"; PolyPhen-2: "Probably Damaging"; Align-GVGD: "Class C0"). This variant has not been reported in the literature in individuals with FASN-related disease. This variant is not present in population databases (ExAC no frequency). This sequence change replaces valine with leucine at codon 376 of the FASN protein (p.Val376Leu). The valine residue is highly conserved and there is a small physicochemical difference between valine and leucine.